The following is an entry in ClinVar:

ClinVar aggregate classification (germline): Uncertain significance (1 of 4 stars; one submission).

Conditions:
Obesity, hyperphagia, and developmental delay (OBHD). Identifiers: Orphanet 99704, MedGen C3151303, MONDO:0013483, OMIM 613886.

Submission:

Institute of Human Genetics, University of Leipzig Medical Center
Classification: Uncertain significance for Obesity, hyperphagia, and developmental delay. Last evaluated: 2024-02-13. Review status: criteria provided, single submitter. Criteria: ACMG Guidelines, 2015. Collection method: clinical testing. Allele origin: paternal. Inheritance: Autosomal dominant inheritance. Affected: yes. Observed: 1 variant allele.
Comment: Criteria applied: PM2_Sup, PP3

NM_006180.6(NTRK2):c.213-2A>G

Genes: NTRK2 (neurotrophic receptor tyrosine kinase 2; plus strand), LOC130001952 (ATAC-STARR-seq lymphoblastoid active region 28508; plus strand). Cytogenetic location: 9q21.33.
Variant type: single nucleotide variant.
Coding change: c.213-2A>G on transcript NM_006180.6 (MANE Select); the canonical splice acceptor site of the intron before coding-DNA position 213, A replaced by G.
Molecular consequence: splice acceptor variant.
Genome position (GRCh38, 1-based): chr9:84,702,157, A>G. VCF-style: chr9-84702157-A-G. GRCh37 (hg19) VCF-style: chr9-87317072-A-G.
Other names: c.213-2A>G (NM_001369548.1, NM_001369538.1, NM_001369549.1 and 18 more transcripts); c.-256-2A>G (NM_001369536.1, NM_001369535.1, NM_001369550.1 and 1 more transcripts).
Identifiers: ClinVar variation 3068724 (VCV003068724.1), dbSNP rs2491511005, ClinGen allele CA374004987.